The following is an entry in ClinVar:

ClinVar aggregate classification (germline): Pathogenic (1 of 4 stars; one submission).

Conditions:
Peroxisome biogenesis disorder 7A (Zellweger). Also called: Peroxisome biogenesis disorder 7A. Identifiers: Orphanet 912, MedGen C3888385, MONDO:0013938, OMIM 614872.
Peroxisome biogenesis disorder 7B (PBD7B). Identifiers: Orphanet 44, MedGen C3553951, MONDO:0013939, OMIM 614873.

Allele frequency attached by ClinVar (database versions not stated): TOPMed below 0.00001.

Submission:

Labcorp Genetics (formerly Invitae), Labcorp
Classification: Pathogenic for Peroxisome biogenesis disorder 7A (Zellweger); Peroxisome biogenesis disorder 7B. Last evaluated: 2023-12-12. Review status: criteria provided, single submitter. Criteria: Invitae Variant Classification Sherloc (09022015). Collection method: clinical testing. Allele origin: germline.
Comment: This sequence change creates a premature translational stop signal (p.Ala10Profs*72) in the PEX26 gene. It is expected to result in an absent or disrupted protein product. Loss-of-function variants in PEX26 are known to be pathogenic (PMID: 12851857, 21031596). This variant is not present in population databases (gnomAD no frequency). This variant has not been reported in the literature in individuals affected with PEX26-related conditions. For these reasons, this variant has been classified as Pathogenic.

Literature cited by the submitters: PubMed 12851857; PubMed 21031596.

NM_001127649.3(PEX26):c.28del (p.Ala10fs)

Gene: PEX26 (peroxisomal biogenesis factor 26; plus strand). Cytogenetic location: 22q11.21.
Variant type: Deletion.
Coding change: c.28del on transcript NM_001127649.3 (MANE Select); coding-DNA position 28, one base deleted (G; older notation c.28delG).
Protein change: p.Ala10fs; shifts the reading frame from alanine 10.
Molecular consequence: frameshift variant.
Genome position (GRCh38, 1-based): chr22:18,078,404, G deleted. VCF-style (leftmost placement, unchanged base first): chr22-18078403-AG-A. GRCh37 (hg19) VCF-style: chr22-18561169-AG-A.
Other names: c.28del, p.Ala10fs (NM_001199319.2, NM_017929.6); short protein forms A10fs.
Identifiers: ClinVar variation 2921344 (VCV002921344.3), dbSNP rs1926386296, ClinGen allele CA2395402727.
Genomic context (GRCh38, chr22:18,078,403, plus strand): 5'-GTCTGAGGACCTGGGCCTTGGACCCGGACTCGTTATGAAGAGCGATTCTTCGACCTCTGC[AG>A]CCCCCCTCAGGGGGCTCGGGGGACCCCTGCGCAGCAGCGAGCCGGTGCGCGCGGTCCCGG-3'